The following is an entry in ClinVar:

NM_000171.4(GLRA1):c.277C>T (p.Arg93Trp)

Gene: GLRA1 (glycine receptor alpha 1; minus strand). Cytogenetic location: 5q33.1.
Variant type: single nucleotide variant.
Coding change: c.277C>T on transcript NM_000171.4 (MANE Select); coding-DNA position 277, C replaced by T.
Protein change: p.Arg93Trp; replaces arginine 93 with tryptophan.
Molecular consequence: missense variant.
Genome position (GRCh38, 1-based): chr5:151,859,984, G>A on the plus strand (C>T on the coding strand, the complement: GLRA1 is on the minus strand). VCF-style: chr5-151859984-G-A. GRCh37 (hg19) VCF-style: chr5-151239545-G-A.
Other names: c.277C>T, p.Arg93Trp (NM_001146040.2); c.28C>T, p.Arg10Trp (NM_001292000.2); short protein forms R93W, R10W.
Identifiers: ClinVar variation 225379 (VCV000225379.9), dbSNP rs199547699, ClinGen allele CA3523722.

ClinVar aggregate classification (germline): Pathogenic/Likely pathogenic. Review status: criteria provided, multiple submitters, no conflicts (2 of 4 stars). 2 submissions from 2 submitters: Pathogenic (1); Likely pathogenic (1). Last evaluated 2024-05-20.

Conditions:
Hereditary hyperekplexia. Identifiers: Orphanet 3197, MedGen C4084968, MONDO:0021022.
Hyperekplexia 1 (STHE). Also called: HYPEREKPLEXIA 1, AUTOSOMAL DOMINANT; HYPEREKPLEXIA 1, AUTOSOMAL RECESSIVE; KOK DISEASE; STARTLE DISEASE, FAMILIAL; STIFF-BABY SYNDROME; STIFF-MAN SYNDROME, CONGENITAL. Identifiers: Orphanet 3197, MedGen C4551954, MONDO:0007868, OMIM 149400.

Allele frequency attached by ClinVar (database versions not stated): gnomAD 0.00001; TOPMed 0.00002; 1000 Genomes Project 0.00020; 1000 Genomes Project 30x 0.00031.

Submissions (2):

Labcorp Genetics (formerly Invitae), Labcorp
Classification: Pathogenic for Hereditary hyperekplexia. Last evaluated: 2024-05-20. Review status: criteria provided, single submitter. Criteria: Invitae Variant Classification Sherloc (09022015). Collection method: clinical testing. Allele origin: germline.
Comment: This sequence change replaces arginine, which is basic and polar, with tryptophan, which is neutral and slightly polar, at codon 93 of the GLRA1 protein (p.Arg93Trp). This variant is present in population databases (rs199547699, gnomAD 0.003%). This missense change has been observed in individuals with autosomal recessive hyperekplexia (PMID: 20631190, 24108130, 36434917). It has also been observed to segregate with disease in related individuals. This variant is also known as R65W. ClinVar contains an entry for this variant (Variation ID: 225379). Advanced modeling of protein sequence and biophysical properties (such as structural, functional, and spatial information, amino acid conservation, physicochemical variation, residue mobility, and thermodynamic stability) performed at Invitae indicates that this missense variant is expected to disrupt GLRA1 protein function with a positive predictive value of 95%. Experimental studies have shown that this missense change affects GLRA1 function (PMID: 20631190, 24108130). This variant disrupts the p.Arg93 amino acid residue in GLRA1. Other variant(s) that disrupt this residue have been observed in individuals with GLRA1-related conditions (PMID: 20631190), which suggests that this may be a clinically significant amino acid residue. For these reasons, this variant has been classified as Pathogenic.

Soonchunhyang University Bucheon Hospital, Soonchunhyang University Medical Center
Classification: Likely pathogenic for Hyperekplexia 1. Last evaluated: 2016-03-18. Review status: criteria provided, single submitter. Criteria: ACMG Guidelines, 2015. Collection method: reference population. Allele origin: germline. Observed: 1 variant allele.

Literature cited by the submitters: PubMed 20631190 (cited by Labcorp Genetics (formerly Invitae), Labcorp and Soonchunhyang University Bucheon Hospital, Soonchunhyang University Medical Center); PubMed 24108130 (cited by Labcorp Genetics (formerly Invitae), Labcorp and Soonchunhyang University Bucheon Hospital, Soonchunhyang University Medical Center); PubMed 36434917 (cited by Labcorp Genetics (formerly Invitae), Labcorp).